The following is an entry in ClinVar:

NM_006734.4(HIVEP2):c.23T>C (p.Leu8Pro)

Gene: HIVEP2 (HIVEP zinc finger 2; minus strand). Cytogenetic location: 6q24.2.
Variant type: single nucleotide variant.
Coding change: c.23T>C on transcript NM_006734.4 (MANE Select); coding-DNA position 23, T replaced by C.
Protein change: p.Leu8Pro; replaces leucine 8 with proline.
Molecular consequence: missense variant.
Genome position (GRCh38, 1-based): chr6:142,774,716, A>G on the plus strand (T>C on the coding strand, the complement: HIVEP2 is on the minus strand). VCF-style: chr6-142774716-A-G. GRCh37 (hg19) VCF-style: chr6-143095853-A-G.
Other names: c.23T>C, p.Leu8Pro (NM_001438449.1, NM_001438450.1, NM_001438451.1); short protein forms L8P.
Identifiers: ClinVar variation 4823666 (VCV004823666.4).

ClinVar aggregate classification (germline): Uncertain significance (1 of 4 stars; one submission).

Submission:

CeGaT Center for Human Genetics Tuebingen
Classification: Uncertain significance. Last evaluated: 2026-03-01. Review status: criteria provided, single submitter. Criteria: CeGaT Center For Human Genetics Tuebingen Variant Classification Criteria Version 2. Collection method: clinical testing. Allele origin: germline. Affected: yes. Observed: 1 variant allele.
Comment: HIVEP2: PM2